The following is an entry in ClinVar:

ClinVar aggregate classification (germline): Uncertain significance (1 of 4 stars; one submission).

gnomAD v4.1: 40 of 1,550,212 alleles (0.0026%); highest among the groups gnomAD compares: Non-Finnish European, 0.0031%; no homozygotes.

Submission:

Labcorp Genetics (formerly Invitae), Labcorp
Classification: Uncertain significance. Last evaluated: 2023-12-05. Review status: criteria provided, single submitter. Criteria: Invitae Variant Classification Sherloc (09022015). Collection method: clinical testing. Allele origin: germline.
Comment: This sequence change replaces glycine, which is neutral and non-polar, with arginine, which is basic and polar, at codon 42 of the TCF3 protein (p.Gly42Arg). This variant is present in population databases (rs528980993, gnomAD 0.003%). This variant has not been reported in the literature in individuals affected with TCF3-related conditions. Advanced modeling of protein sequence and biophysical properties (such as structural, functional, and spatial information, amino acid conservation, physicochemical variation, residue mobility, and thermodynamic stability) performed at Invitae indicates that this missense variant is not expected to disrupt TCF3 protein function with a negative predictive value of 80%. In summary, the available evidence is currently insufficient to determine the role of this variant in disease. Therefore, it has been classified as a Variant of Uncertain Significance.

NM_003200.5(TCF3):c.124G>C (p.Gly42Arg)

Gene: TCF3 (transcription factor 3; minus strand). Cytogenetic location: 19p13.3.
Variant type: single nucleotide variant.
Coding change: c.124G>C on transcript NM_003200.5 (MANE Select); coding-DNA position 124, G replaced by C.
Protein change: p.Gly42Arg; replaces glycine 42 with arginine.
Molecular consequence: missense variant.
Genome position (GRCh38, 1-based): chr19:1,646,376, C>G on the plus strand (G>C on the coding strand, the complement: TCF3 is on the minus strand). VCF-style: chr19-1646376-C-G. GRCh37 (hg19) VCF-style: chr19-1646375-C-G.
Other names: c.124G>C, p.Gly42Arg (NM_001136139.4, NM_001351778.2, NM_001351779.2); short protein forms G42R.
Identifiers: ClinVar variation 2886673 (VCV002886673.3), dbSNP rs528980993, ClinGen allele CA9050582.